The following is an entry in ClinVar:

NM_000393.5(COL5A2):c.3650C>G (p.Pro1217Arg)

Gene: COL5A2 (collagen type V alpha 2 chain; minus strand). Cytogenetic location: 2q32.2.
Variant type: single nucleotide variant.
Coding change: c.3650C>G on transcript NM_000393.5 (MANE Select); coding-DNA position 3650, C replaced by G.
Protein change: p.Pro1217Arg; replaces proline 1217 with arginine.
Molecular consequence: missense variant.
Genome position (GRCh38, 1-based): chr2:189,039,547, G>C on the plus strand (C>G on the coding strand, the complement: COL5A2 is on the minus strand). VCF-style: chr2-189039547-G-C. GRCh37 (hg19) VCF-style: chr2-189904273-G-C.
Other names: p.P1217R:CCT>CGT; short protein forms P1217R.
Identifiers: ClinVar variation 213158 (VCV000213158.2), dbSNP rs863223509, ClinGen allele CA324570.

ClinVar aggregate classification (germline): Uncertain significance (1 of 4 stars; one submission).

Allele frequency attached by ClinVar (database versions not stated): gnomAD exomes below 0.00001; TOPMed below 0.00001; gnomAD 0.00001.
gnomAD v4.1: 3 of 1,613,646 alleles (0.00019%); highest among the groups gnomAD compares: Non-Finnish European, 0.00025%; no homozygotes.

Submission:

GeneDx
Classification: Uncertain significance. Last evaluated: 2016-06-17. Review status: criteria provided, single submitter. Criteria: GeneDx Variant Classification (06012015). Collection method: clinical testing. Allele origin: germline. Affected: yes.
Comment: The P1217R variant has not been published as a mutation, nor has it been reported as a benign polymorphism to our knowledge. The P1217R variant was not observed in approximately 6500 individuals of European and African American ancestry in the NHLBI Exome Sequencing Project, indicating it is not a common benign variant in these populations. The P1217R variant is a non-conservative amino acid substitution, which is likely to impact secondary protein structure as these residues differ in polarity, charge, size and/or other properties. This substitution occurs at a position that is conserved among mammals and in silico analysis predicts this variant is probably damaging to the protein structure/function. However, only one missense mutation in a nearby residue (G1209R) has been reported in the Human Gene Mutation Database in association with Ehlers-Danlos syndrome (Stenson et al., 2014), indicating this region of the protein may be tolerant of change. Therefore, based on the currently available information, it is unclear whether this variant is a pathogenic mutation or a rare benign variant.